The following is an entry in ClinVar:

ClinVar aggregate classification (germline): Conflicting classifications of pathogenicity. Review status: criteria provided, conflicting classifications (1 of 4 stars). 4 submissions from 4 submitters: Pathogenic (1); Likely pathogenic (1); Uncertain significance (1). 1 of the submissions does not count toward it. Last evaluated 2024-10-18.

Conditions:
CLCN7-related disorder. Also called: CLCN7-related condition.
Autosomal recessive osteopetrosis 4. Also called: infantile malignant CLCN7-related recessive osteopetrosis; CLCN7-Related Osteopetrosis. Identifiers: Orphanet 667, MedGen C1969106, MONDO:0012676, OMIM 611490.
Autosomal dominant osteopetrosis 2. Also called: ALBERS-SCHONBERG DISEASE, AUTOSOMAL DOMINANT; Autosomal Dominant Osteopetrosis Type II (ADOII); Osteopetroses; Marble bones; Albers-Schonberg disease; Osteosclerosis fragilis. Identifiers: Orphanet 53, MedGen C3179239, MONDO:0008156, OMIM 166600.

Submissions (4):

Blueprint Genetics
Classification: Likely pathogenic for CLCN7-related disorders. Last evaluated: 2024-10-18. Review status: criteria provided, single submitter. Criteria: ACMG Guidelines, 2015. Collection method: clinical testing. Allele origin: germline. Affected: yes. Observed: 4 variant alleles.

Baylor Genetics
Classification: Pathogenic for Autosomal recessive osteopetrosis 4. Last evaluated: 2022-10-03. Review status: criteria provided, single submitter. Criteria: ACMG Guidelines, 2015. Collection method: clinical testing. Allele origin: unknown.

Labcorp Genetics (formerly Invitae), Labcorp
Classification: Uncertain significance. Last evaluated: 2022-06-27. Review status: criteria provided, single submitter. Criteria: Invitae Variant Classification Sherloc (09022015). Collection method: clinical testing. Allele origin: germline.
Comment: In summary, the available evidence is currently insufficient to determine the role of this variant in disease. Therefore, it has been classified as a Variant of Uncertain Significance. This variant results in an extension of the CLCN7 protein. Other variant(s) that result in a similarly extended protein product (p.Glu798Glyfs*129) have been observed in individuals with CLCN7-related disease (PMID: 19288050). This suggests that these extensions may be clinically significant. Experimental studies have shown that this frameshift affects CLCN7 function (PMID: 21527911). Algorithms developed to predict the effect of variants on protein structure and function are not available or were not evaluated for this variant. This variant is also known as 2423delAG. This frameshift has been observed in individuals with autosomal dominant osteopetrosis (PMID: 11741829). This variant is not present in population databases (gnomAD no frequency). This sequence change results in a frameshift in the CLCN7 gene (p.Gly796Leufs*130). While this is not anticipated to result in nonsense mediated decay, it is expected to disrupt the last 10 amino acid(s) of the CLCN7 protein and extend the protein by 119 additional amino acid residues.

OMIM
Classification: Pathogenic for OSTEOPETROSIS, AUTOSOMAL DOMINANT 2. Last evaluated: 2001-12-01. Review status: no assertion criteria provided. Collection method: literature only. Allele origin: germline. Not counted in ClinVar's aggregate classification.

Literature cited by the submitters: PubMed 19288050 (cited by Labcorp Genetics (formerly Invitae), Labcorp); PubMed 21527911 (cited by Labcorp Genetics (formerly Invitae), Labcorp); PubMed 11741829 (cited by Labcorp Genetics (formerly Invitae), Labcorp and OMIM); PubMed 11468688 (cited by OMIM).

NM_001287.6(CLCN7):c.2385_2386del (p.Gly796fs)

Gene: CLCN7 (Cl-/H+ antiporter 7; minus strand). Cytogenetic location: 16p13.3.
Variant type: Microsatellite.
Coding change: c.2385_2386del on transcript NM_001287.6 (MANE Select); coding-DNA positions 2385 to 2386, 2 bases deleted (AG; older notation c.2385_2386delAG).
Protein change: p.Gly796fs; shifts the reading frame from glycine 796.
Molecular consequence: frameshift variant.
Genome position (GRCh38, 1-based): chr16:1,446,663-1,446,664, CT deleted on the plus strand (AG on the coding strand, the reverse complement: CLCN7 is on the minus strand); deleting any 2 consecutive bases within chr16:1,446,663-1,446,668 gives the same sequence; the c. name uses the placement nearest the transcript's 3' end. VCF-style (leftmost placement, unchanged base first): chr16-1446662-CCT-C. GRCh37 (hg19) VCF-style: chr16-1496663-CCT-C.
Other names: c.2313_2314del, p.Gly772fs (NM_001114331.3); short protein forms G772fs, G796fs.
Identifiers: ClinVar variation 1371048 (VCV001371048.8), dbSNP rs2142364275, ClinGen allele CA2580613357.